The following is an entry in ClinVar:

NM_001378414.1(HDAC4):c.1138G>A (p.Ala380Thr)

Gene: HDAC4 (histone deacetylase 4; minus strand). Cytogenetic location: 2q37.3.
Variant type: single nucleotide variant.
Coding change: c.1138G>A on transcript NM_001378414.1 (MANE Select); coding-DNA position 1138, G replaced by A.
Protein change: p.Ala380Thr; replaces alanine 380 with threonine.
Molecular consequence: missense variant.
Genome position (GRCh38, 1-based): chr2:239,134,401, C>T on the plus strand (G>A on the coding strand, the complement: HDAC4 is on the minus strand). VCF-style: chr2-239134401-C-T. GRCh37 (hg19) VCF-style: chr2-240056097-C-T.
Other names: c.1138G>A (NM_006037.3); c.1138G>A, p.Ala380Thr (NM_001378415.1, NM_001378416.1, NM_001378417.1 and 1 more transcripts); short protein forms A380T.
Identifiers: ClinVar variation 2764304 (VCV002764304.4), dbSNP rs771581695, ClinGen allele CA2199892.

ClinVar aggregate classification (germline): Conflicting classifications of pathogenicity. Review status: criteria provided, conflicting classifications (1 of 4 stars). 2 submissions from 2 submitters: Uncertain significance (1); Likely benign (1). Last evaluated 2024-07-26.

Conditions:
Inborn genetic diseases. Identifiers: MedGen C0950123, MeSH D030342.

Allele frequency attached by ClinVar (database versions not stated): ExAC 0.00002; TOPMed 0.00003; gnomAD 0.00004.
gnomAD v4.1: 64 of 1,613,372 alleles (0.004%); highest among the groups gnomAD compares: Middle Eastern, 0.016%; no homozygotes.

Submissions (2):

Ambry Genetics
Classification: Likely benign for Inborn genetic diseases. Last evaluated: 2024-07-26. Review status: criteria provided, single submitter. Criteria: Ambry Variant Classification Scheme 2023. Collection method: clinical testing. Allele origin: germline.

Labcorp Genetics (formerly Invitae), Labcorp
Classification: Uncertain significance. Last evaluated: 2023-06-25. Review status: criteria provided, single submitter. Criteria: Invitae Variant Classification Sherloc (09022015). Collection method: clinical testing. Allele origin: germline.
Comment: In summary, the available evidence is currently insufficient to determine the role of this variant in disease. Therefore, it has been classified as a Variant of Uncertain Significance. Advanced modeling of protein sequence and biophysical properties (such as structural, functional, and spatial information, amino acid conservation, physicochemical variation, residue mobility, and thermodynamic stability) performed at Invitae indicates that this missense variant is not expected to disrupt HDAC4 protein function. This variant has not been reported in the literature in individuals affected with HDAC4-related conditions. This variant is present in population databases (rs771581695, gnomAD 0.007%). This sequence change replaces alanine, which is neutral and non-polar, with threonine, which is neutral and polar, at codon 380 of the HDAC4 protein (p.Ala380Thr).